The following is an entry in ClinVar:

ClinVar aggregate classification (germline): Uncertain significance (1 of 4 stars; one submission).

Conditions:
Severe combined immunodeficiency, autosomal recessive, T cell-negative, B cell-negative, NK cell-positive. Also called: SCID, AR, T-cell negative, B-cell negative, NK cell-positive; Severe combined immunodeficiency due to complete RAG1/2 deficiency; SCID, T CELL-NEGATIVE, B CELL-NEGATIVE, NK CELL-POSITIVE. Identifiers: Orphanet 331206, MedGen C1832322, MONDO:0011086, OMIM 601457.

Submission:

Next Generation Genetic Polyclinic
Classification: Uncertain significance for Severe combined immunodeficiency, autosomal recessive, T cell-negative, B cell-negative, NK cell-positive. Last evaluated: 2025-03-07. Review status: criteria provided, single submitter. Criteria: ACMG Guidelines, 2015. Collection method: clinical testing. Allele origin: germline. Affected: yes. Observed: 1 variant allele.
Comment: The NM_000536.4:c.200G>T (RAG2) variant results in a missense substitution affecting a conserved residue important for recombination-activating gene 2 function, which plays a key role in V(D)J recombination during lymphocyte development. RAG2 loss-of-function mutations are known to cause autosomal recessive severe combined immunodeficiency (SCID) or Omenn syndrome. This particular variant is novel and absent from control population databases (PM2_supporting), and computational predictions suggest it is deleterious (PP3). However, there is currently no published clinical or functional evidence associating this specific variant with disease. Its homozygosity raises clinical interest, especially in a germline context, but it remains a Variant of Uncertain Significance (VUS) under ACMG guidelines until further supporting data emerges.Sanger sequencing confirmed variant presence.

NM_000536.4(RAG2):c.200G>T (p.Cys67Phe)

Gene: RAG2 (recombination activating 2; minus strand). Cytogenetic location: 11p12.
Variant type: single nucleotide variant.
Coding change: c.200G>T on transcript NM_000536.4 (MANE Select); coding-DNA position 200, G replaced by T.
Protein change: p.Cys67Phe; replaces cysteine 67 with phenylalanine.
Molecular consequence: missense variant.
Genome position (GRCh38, 1-based): chr11:36,593,969, C>A on the plus strand (G>T on the coding strand, the complement: RAG2 is on the minus strand). VCF-style: chr11-36593969-C-A. GRCh37 (hg19) VCF-style: chr11-36615519-C-A.
Other names: c.200G>T, p.Cys67Phe (NM_001243785.2, NM_001243786.2); short protein forms C67F.
Identifiers: ClinVar variation 4071549 (VCV004071549.1).